The following is an entry in ClinVar:

NM_001040436.3(YARS2):c.281C>A (p.Ala94Glu)

Gene: YARS2 (tyrosyl-tRNA synthetase 2; minus strand). Cytogenetic location: 12p11.21.
Variant type: single nucleotide variant.
Coding change: c.281C>A on transcript NM_001040436.3 (MANE Select); coding-DNA position 281, C replaced by A.
Protein change: p.Ala94Glu; replaces alanine 94 with glutamic acid.
Molecular consequence: missense variant.
Genome position (GRCh38, 1-based): chr12:32,755,594, G>T on the plus strand (C>A on the coding strand, the complement: YARS2 is on the minus strand). VCF-style: chr12-32755594-G-T. GRCh37 (hg19) VCF-style: chr12-32908528-G-T.
Other names: short protein forms A94E.
Identifiers: ClinVar variation 2104443 (VCV002104443.4), dbSNP rs770585956, ClinGen allele CA384374210.

ClinVar aggregate classification (germline): Uncertain significance (1 of 4 stars; one submission).

Allele frequency attached by ClinVar (database versions not stated): TOPMed below 0.00001.

Submission:

Labcorp Genetics (formerly Invitae), Labcorp
Classification: Uncertain significance. Last evaluated: 2022-02-28. Review status: criteria provided, single submitter. Criteria: Invitae Variant Classification Sherloc (09022015). Collection method: clinical testing. Allele origin: germline.
Comment: In summary, the available evidence is currently insufficient to determine the role of this variant in disease. Therefore, it has been classified as a Variant of Uncertain Significance. Advanced modeling of protein sequence and biophysical properties (such as structural, functional, and spatial information, amino acid conservation, physicochemical variation, residue mobility, and thermodynamic stability) performed at Invitae indicates that this missense variant is expected to disrupt YARS2 protein function. This variant has not been reported in the literature in individuals affected with YARS2-related conditions. This variant is not present in population databases (gnomAD no frequency). This sequence change replaces alanine, which is neutral and non-polar, with glutamic acid, which is acidic and polar, at codon 94 of the YARS2 protein (p.Ala94Glu).